The following is an entry in ClinVar:

NM_032043.3(BRIP1):c.342A>G (p.Pro114=)

Gene: BRIP1 (BRCA1 interacting DNA helicase 1; minus strand). Cytogenetic location: 17q23.2.
Variant type: single nucleotide variant.
Coding change: c.342A>G on transcript NM_032043.3 (MANE Select); coding-DNA position 342, A replaced by G.
Protein change: p.Pro114=; no amino-acid change (proline 114 retained).
Molecular consequence: synonymous variant.
Genome position (GRCh38, 1-based): chr17:61,857,095, T>C on the plus strand (A>G on the coding strand, the complement: BRIP1 is on the minus strand). VCF-style: chr17-61857095-T-C. GRCh37 (hg19) VCF-style: chr17-59934456-T-C.
Identifiers: ClinVar variation 632724 (VCV000632724.20), dbSNP rs756764576, ClinGen allele CA8690959.

ClinVar aggregate classification (germline): Benign/Likely benign. Review status: criteria provided, multiple submitters, no conflicts (2 of 4 stars). 6 submissions from 6 submitters: Benign (1); Likely benign (5). Last evaluated 2025-11-17.

Conditions:
Hereditary cancer-predisposing syndrome. Also called: Hereditary Cancer Syndrome; Neoplastic Syndromes, Hereditary; Tumor predisposition; Hereditary neoplastic syndrome. Identifiers: Orphanet 140162, MedGen C0027672, MeSH D009386, MONDO:0015356.
Familial cancer of breast. Also called: BREAST CANCER, FAMILIAL; hereditary breast carcinoma; Hereditary breast cancer. Identifiers: Orphanet 227535, MedGen C0346153, MONDO:0016419, OMIM 114480. Disease mechanism: loss of function.
Fanconi anemia complementation group J. Also called: BRIP1-Related Fanconi Anemia. Identifiers: Orphanet 84, MedGen C1836860, MONDO:0012187, OMIM 609054.

Allele frequency attached by ClinVar (database versions not stated): ExAC 0.00001.

Submissions (6):

Labcorp Genetics (formerly Invitae), Labcorp
Classification: Likely benign for Familial cancer of breast; Fanconi anemia complementation group J. Last evaluated: 2025-11-17. Review status: criteria provided, single submitter. Criteria: Invitae Variant Classification Sherloc (09022015). Collection method: clinical testing. Allele origin: germline.

Myriad Genetics, Inc.
Classification: Benign for Familial cancer of breast. Last evaluated: 2024-08-21. Review status: criteria provided, single submitter. Criteria: Myriad Autosomal Dominant, Autosomal Recessive and X-Linked Classification Criteria (2023). Collection method: clinical testing. Allele origin: unknown.
Comment: This variant is considered benign. This variant is a silent/synonymous amino acid change and it is not expected to impact splicing.

GeneDx
Classification: Likely benign. Last evaluated: 2019-12-20. Review status: criteria provided, single submitter. Criteria: GeneDx Variant Classification Process June 2021. Collection method: clinical testing. Allele origin: germline. Affected: yes.
Comment: See Variant Classification Assertion Criteria.

Color Diagnostics, LLC DBA Color Health
Classification: Likely benign for Hereditary cancer-predisposing syndrome. Last evaluated: 2019-10-10. Review status: criteria provided, single submitter. Criteria: ACMG Guidelines, 2015. Collection method: clinical testing. Allele origin: germline.

Women's Health and Genetics/Laboratory Corporation of America, LabCorp
Classification: Likely benign. Last evaluated: 2019-08-28. Review status: criteria provided, single submitter. Criteria: LabCorp Variant Classification Summary - May 2015. Collection method: clinical testing. Allele origin: germline.

Ambry Genetics
Classification: Likely benign for Hereditary cancer-predisposing syndrome. Last evaluated: 2018-10-03. Review status: criteria provided, single submitter. Criteria: Ambry Variant Classification Scheme 2023. Collection method: clinical testing. Allele origin: germline.